The following is an entry in ClinVar:

ClinVar aggregate classification (germline): Conflicting classifications of pathogenicity. Review status: criteria provided, conflicting classifications (1 of 4 stars). 12 submissions from 12 submitters: Uncertain significance (1); Likely benign (9). 2 of the submissions do not count toward it. Last evaluated 2026-01-18.

Conditions:
COL5A2-related disorder. Also called: COL5A2-related condition.
Ehlers-Danlos syndrome, classic type, 1 (EDSCL1). Also called: EHLERS-DANLOS SYNDROME, GRAVIS TYPE; EHLERS-DANLOS SYNDROME, SEVERE CLASSIC TYPE; Ehlers-Danlos syndrome, type 1; Ehlers-Danlos Syndrome, Classic Type, COL5A1-Related; EDS I. Identifiers: MedGen C0268335, MONDO:0019567, OMIM 130000.
Ehlers-Danlos syndrome, classic type, 2 (EDSCL2). Also called: Ehlers-Danlos syndrome, type 2; Ehlers-Danlos syndrome type 2 (formerly); Ehlers-Danlos Syndrome, Classic Type, COL5A2-Related. Identifiers: Orphanet 287, Orphanet 90318, MedGen C0268336, MONDO:0019568, OMIM 130010.
Ehlers-Danlos syndrome (EDS). Identifiers: Orphanet 98249, MedGen C0013720, MONDO:0020066.
Familial thoracic aortic aneurysm and aortic dissection (TAAD). Also called: Thoracic aortic aneurysms and dissections. Identifiers: Orphanet 91387, MedGen C4707243, MONDO:0019625.
Thrombocytopenia. Identifiers: MedGen C0040034, MeSH D013921, MONDO:0002049, HP:0001873.
Abnormal bleeding. Also called: Bleeding diathesis. Identifiers: MedGen C1458140, HP:0001892.

Allele frequency attached by ClinVar (database versions not stated): ExAC 0.00027; 1000 Genomes Project 30x 0.00031; gnomAD 0.00035 and 0.00036; gnomAD exomes 0.00036 and 0.00051; 1000 Genomes Project 0.00040; TOPMed 0.00042; ESP Exome Variant Server 0.00054.
gnomAD v4.1: 792 of 1,613,848 alleles (0.049%); highest among the groups gnomAD compares: Admixed American, 0.067%; no homozygotes.

Submissions (12):

Labcorp Genetics (formerly Invitae), Labcorp
Classification: Likely benign for Ehlers-Danlos syndrome, classic type, 1. Last evaluated: 2026-01-18. Review status: criteria provided, single submitter. Criteria: Invitae Variant Classification Sherloc (09022015). Collection method: clinical testing. Allele origin: germline.

Mayo Clinic Laboratories, Mayo Clinic
Classification: Likely benign. Last evaluated: 2025-05-16. Review status: criteria provided, single submitter. Criteria: ACMG Guidelines, 2015. Collection method: clinical testing. Allele origin: germline. Observed: 15 variant alleles.
Comment: BS1, BP4

Women's Health and Genetics/Laboratory Corporation of America, LabCorp
Classification: Likely benign. Last evaluated: 2025-02-10. Review status: criteria provided, single submitter. Criteria: LabCorp Variant Classification Summary - May 2015. Collection method: clinical testing. Allele origin: germline.
Comment: Variant summary: COL5A2 c.4067A>G (p.Asp1356Gly) results in a non-conservative amino acid change in the encoded protein sequence. Three of five in-silico tools predict a benign effect of the variant on protein function. The variant allele was found at a frequency of 0.00036 in 251144 control chromosomes. The observed variant frequency is approximately 11.47 fold of the estimated maximal expected allele frequency for a pathogenic variant in COL5A2 causing Ehlers-Danlos syndrome, classic type, 2 phenotype (3.1e-05). To our knowledge, no occurrence of c.4067A>G in individuals affected with COL5A2-related conditions and no experimental evidence demonstrating its impact on protein function have been reported. ClinVar contains an entry for this variant (Variation ID: 213125). Based on the evidence outlined above, the variant was classified as likely benign.

Blueprint Genetics
Classification: Likely benign. Last evaluated: 2024-08-20. Review status: criteria provided, single submitter. Criteria: ACMG Guidelines, 2015. Collection method: clinical testing. Allele origin: germline.

GeneDx
Classification: Likely benign. Last evaluated: 2023-05-30. Review status: criteria provided, single submitter. Criteria: GeneDx Variant Classification Process June 2021. Collection method: clinical testing. Allele origin: germline. Affected: yes.
Comment: See Variant Classification Assertion Criteria.

ARUP Laboratories, Molecular Genetics and Genomics, ARUP Laboratories
Classification: Likely benign for Ehlers-Danlos syndrome, classic type, 2. Last evaluated: 2023-03-23. Review status: criteria provided, single submitter. Criteria: ARUP Molecular Germline Variant Investigation Process 2024. Collection method: clinical testing. Allele origin: germline.

Genome Diagnostics Laboratory, The Hospital for Sick Children
Classification: Likely benign for Ehlers-Danlos syndrome. Last evaluated: 2022-07-17. Review status: criteria provided, single submitter. Criteria: ACMG Guidelines, 2015. Collection method: clinical testing. Allele origin: germline.

Institute for Clinical Genetics, University Hospital TU Dresden, University Hospital TU Dresden
Classification: Uncertain significance. Last evaluated: 2021-11-03. Review status: criteria provided, single submitter. Criteria: ACMG Guidelines, 2015. Collection method: clinical testing. Allele origin: germline.

Ambry Genetics
Classification: Likely benign for Familial thoracic aortic aneurysm and aortic dissection. Last evaluated: 2020-02-27. Review status: criteria provided, single submitter. Criteria: Ambry Variant Classification Scheme 2023. Collection method: clinical testing. Allele origin: germline.

Illumina Laboratory Services, Illumina
Classification: Likely benign for Ehlers-Danlos syndrome, classic type, 2. Last evaluated: 2018-01-13. Review status: criteria provided, single submitter. Criteria: ICSL Variant Classification Criteria 13 December 2019. Collection method: clinical testing. Allele origin: germline.
Comment: This variant was observed in the ICSL laboratory as part of a predisposition screen in an ostensibly healthy population. It had not been previously curated by ICSL or reported in the Human Gene Mutation Database (HGMD: prior to June 1st, 2018), and was therefore a candidate for classification through an automated scoring system. Utilizing variant allele frequency, disease prevalence and penetrance estimates, and inheritance mode, an automated score was calculated to assess if this variant is too frequent to cause the disease. Based on the score and internal cut-off values, a variant classified as likely benign is not then subjected to further curation. The score for this variant resulted in a classification of likely benign for this disease.

PreventionGenetics, part of Exact Sciences
Classification: Likely benign for COL5A2-related condition. Last evaluated: 2023-04-13. Review status: no assertion criteria provided. Collection method: clinical testing. Allele origin: germline. Not counted in ClinVar's aggregate classification.
Comment: This variant is classified as likely benign based on ACMG/AMP sequence variant interpretation guidelines (Richards et al. 2015 PMID: 25741868, with internal and published modifications).

Birmingham Platelet Group; University of Birmingham
Classification: Uncertain significance for Thrombocytopenia; Abnormal bleeding. Last evaluated: 2020-05-01. Review status: no assertion criteria provided. Collection method: research. Allele origin: germline. Affected: yes. Not counted in ClinVar's aggregate classification.

NM_000393.5(COL5A2):c.4067A>G (p.Asp1356Gly)

Gene: COL5A2 (collagen type V alpha 2 chain; minus strand). Cytogenetic location: 2q32.2.
Variant type: single nucleotide variant.
Coding change: c.4067A>G on transcript NM_000393.5 (MANE Select); coding-DNA position 4067, A replaced by G.
Protein change: p.Asp1356Gly; replaces aspartic acid 1356 with glycine.
Molecular consequence: missense variant.
Genome position (GRCh38, 1-based): chr2:189,036,662, T>C on the plus strand (A>G on the coding strand, the complement: COL5A2 is on the minus strand). VCF-style: chr2-189036662-T-C. GRCh37 (hg19) VCF-style: chr2-189901388-T-C.
Other names: p.D1356G:GAC>GGC; p.Asp1356Gly; c.4067A>G (NM_000393.4); short protein forms D1356G.
Identifiers: ClinVar variation 213125 (VCV000213125.72), dbSNP rs140952583, ClinGen allele CA321204.